The following is an entry in ClinVar:

ClinVar aggregate classification (germline): Uncertain significance. Review status: criteria provided, multiple submitters, no conflicts (2 of 4 stars). 3 submissions from 3 submitters: Uncertain significance (3). Last evaluated 2026-08-14.

Conditions:
Inborn genetic diseases. Identifiers: MedGen C0950123, MeSH D030342.
Dyskeratosis congenita, autosomal dominant 6 (DKCA6). Identifiers: Orphanet 3322, MedGen C4225284, MONDO:0014690, OMIM 616553.
ACD-related disorder. Also called: ACD-related condition.

Submissions (3):

PreventionGenetics, part of Exact Sciences
Classification: Uncertain significance for ACD-related condition. Last evaluated: 2026-08-14. Review status: criteria provided, single submitter. Criteria: ACMG Guidelines, 2015. Collection method: clinical testing. Allele origin: germline.
Comment: The ACD c.71_72delinsCC variant is predicted to result in an in-frame deletion and insertion. To our knowledge, this variant has not been reported in the literature or in a large population database (gnomAD), indicating this variant is rare. At this time, the clinical significance of this variant is uncertain due to the absence of conclusive functional and genetic evidence.

Labcorp Genetics (formerly Invitae), Labcorp
Classification: Uncertain significance for Dyskeratosis congenita, autosomal dominant 6. Last evaluated: 2026-01-12. Review status: criteria provided, single submitter. Criteria: Invitae Variant Classification Sherloc (09022015). Collection method: clinical testing. Allele origin: germline.
Comment: This sequence change replaces tryptophan, which is neutral and slightly polar, with serine, which is neutral and polar, at codon 24 of the ACD protein (p.Trp24Ser). This variant is present in population databases (no rsID available, gnomAD 0.01%). This variant has not been reported in the literature in individuals affected with ACD-related conditions. ClinVar contains an entry for this variant (Variation ID: 575071). Experimental studies and prediction algorithms are not available or were not evaluated, and the functional significance of this variant is currently unknown. In summary, the available evidence is currently insufficient to determine the role of this variant in disease. Therefore, it has been classified as a Variant of Uncertain Significance.

Ambry Genetics
Classification: Uncertain significance for Inborn genetic diseases. Last evaluated: 2022-08-24. Review status: criteria provided, single submitter. Criteria: Ambry Variant Classification Scheme 2023. Collection method: clinical testing. Allele origin: germline.
Comment: The c.71_72delGGinsCC (p.W24S) alteration, located in exon 1 (coding exon 1) of the ACD gene, consists of an in-frame substitution of 2 nucleotides from position 71 to 72, resulting in the insertion of <NA> residues. Based on insufficient or conflicting evidence, the clinical significance of this alteration remains unclear.

NM_001082486.1(ACD):c.71_72delinsCC

Genes: ACD (ACD shelterin complex subunit and telomerase recruitment factor; minus strand), LOC130059224 (ATAC-STARR-seq lymphoblastoid silent region 7617; plus strand). Cytogenetic location: 16q22.1.
Variant type: Inversion.
Coding change: c.71_72delinsCC on transcript NM_001082486.1; coding-DNA positions 71 to 72, GG replaced by CC.
Molecular consequence: missense variant.
Genome position (GRCh38, 1-based): chr16:67,660,407-67,660,408, CC replaced by GG on the plus strand (GG replaced by CC on the coding strand, the reverse complement: ACD is on the minus strand). VCF-style: chr16-67660407-CC-GG. GRCh37 (hg19) VCF-style: chr16-67694310-CC-GG.
Other names: c.71_72delGGinsCC (NM_001082486.1).
Identifiers: ClinVar variation 575071 (VCV000575071.9), ClinGen allele CA891843707.